The following is an entry in ClinVar:

NM_001142800.2(EYS):c.2498T>C (p.Phe833Ser)

Gene: EYS (eyes shut homolog; minus strand). Cytogenetic location: 6q12.
Variant type: single nucleotide variant.
Coding change: c.2498T>C on transcript NM_001142800.2 (MANE Select); coding-DNA position 2498, T replaced by C.
Protein change: p.Phe833Ser; replaces phenylalanine 833 with serine.
Molecular consequence: missense variant.
Genome position (GRCh38, 1-based): chr6:64,912,627, A>G on the plus strand (T>C on the coding strand, the complement: EYS is on the minus strand). VCF-style: chr6-64912627-A-G. GRCh37 (hg19) VCF-style: chr6-65622520-A-G.
Other names: c.2498T>C, p.Phe833Ser (NM_001292009.2); short protein forms F833S.
Identifiers: ClinVar variation 2114376 (VCV002114376.1), dbSNP rs1240390597, ClinGen allele CA364786380.

ClinVar aggregate classification (germline): Uncertain significance (1 of 4 stars; one submission).

Allele frequency attached by ClinVar (database versions not stated): gnomAD exomes 0.00002; gnomAD 0.00015; TOPMed 0.00017.
gnomAD v4.1: 32 of 1,550,978 alleles (0.0021%); highest among the groups gnomAD compares: Admixed American, 0.059%; no homozygotes.

Submission:

Labcorp Genetics (formerly Invitae), Labcorp
Classification: Uncertain significance. Last evaluated: 2022-08-09. Review status: criteria provided, single submitter. Criteria: Invitae Variant Classification Sherloc (09022015). Collection method: clinical testing. Allele origin: germline.
Comment: This sequence change replaces phenylalanine, which is neutral and non-polar, with serine, which is neutral and polar, at codon 833 of the EYS protein (p.Phe833Ser). This variant is present in population databases (no rsID available, gnomAD 0.04%). This variant has not been reported in the literature in individuals affected with EYS-related conditions. Algorithms developed to predict the effect of missense changes on protein structure and function (SIFT, PolyPhen-2, Align-GVGD) all suggest that this variant is likely to be disruptive. In summary, the available evidence is currently insufficient to determine the role of this variant in disease. Therefore, it has been classified as a Variant of Uncertain Significance.